The following is an entry in ClinVar:

NM_000384.3(APOB):c.6791A>G (p.Glu2264Gly)

Gene: APOB (apolipoprotein B; minus strand). Cytogenetic location: 2p24.1.
Variant type: single nucleotide variant.
Coding change: c.6791A>G on transcript NM_000384.3 (MANE Select); coding-DNA position 6791, A replaced by G.
Protein change: p.Glu2264Gly; replaces glutamic acid 2264 with glycine.
Molecular consequence: missense variant.
Genome position (GRCh38, 1-based): chr2:21,010,077, T>C on the plus strand (A>G on the coding strand, the complement: APOB is on the minus strand). VCF-style: chr2-21010077-T-C. GRCh37 (hg19) VCF-style: chr2-21232949-T-C.
Other names: short protein forms E2264G.
Identifiers: ClinVar variation 1755458 (VCV001755458.3), dbSNP rs767382770, ClinGen allele CA063534.

ClinVar aggregate classification (germline): Uncertain significance. Review status: criteria provided, multiple submitters, no conflicts (2 of 4 stars). 2 submissions from 2 submitters: Uncertain significance (2). Last evaluated 2024-05-07.

Conditions:
Cardiovascular phenotype. Identifiers: MedGen CN230736.

Allele frequency attached by ClinVar (database versions not stated): gnomAD exomes below 0.00001; TOPMed below 0.00001; ExAC 0.00001.
gnomAD v4.1: 1 of 1,613,520 alleles (0.000062%); highest among the groups gnomAD compares: Admixed American, 0.0017%; no homozygotes.

Submissions (2):

Greenwood Genetic Center Diagnostic Laboratories, Greenwood Genetic Center
Classification: Uncertain significance. Last evaluated: 2024-05-07. Review status: criteria provided, single submitter. Criteria: ACMG Guidelines, 2015. Collection method: clinical testing. Allele origin: germline. Affected: yes.
Comment: PM2

Ambry Genetics
Classification: Uncertain significance for Cardiovascular phenotype. Last evaluated: 2022-10-17. Review status: criteria provided, single submitter. Criteria: Ambry Variant Classification Scheme 2023. Collection method: clinical testing. Allele origin: germline.
Comment: The p.E2264G variant (also known as c.6791A>G), located in coding exon 26 of the APOB gene, results from an A to G substitution at nucleotide position 6791. The glutamic acid at codon 2264 is replaced by glycine, an amino acid with similar properties. This amino acid position is conserved. In addition, this alteration is predicted to be tolerated by in silico analysis. Since supporting evidence is limited at this time, the clinical significance of this alteration remains unclear.